The following is an entry in ClinVar:

NM_017714.3(TASP1):c.404-5del

Gene: TASP1 (taspase 1; minus strand). Cytogenetic location: 20p12.1.
Variant type: Deletion.
Coding change: c.404-5del on transcript NM_017714.3 (MANE Select); 5 bases into the intron before coding-DNA position 404, one base deleted (T; older notation c.404-5delT).
Molecular consequence: intron variant.
Genome position (GRCh38, 1-based): chr20:13,580,986, A deleted on the plus strand (T on the coding strand, the reverse complement: TASP1 is on the minus strand); the first of 16 consecutive A bases (chr20:13,580,986-13,581,001); deleting any one gives the same sequence. VCF-style (leftmost placement, unchanged base first): chr20-13580985-TA-T. GRCh37 (hg19) VCF-style: chr20-13561632-TA-T.
Other names: c.282+42460del (NM_001323602.2); c.98-5del (NM_001323604.2, NM_001323603.2).
Identifiers: ClinVar variation 3058929 (VCV003058929.2), dbSNP rs71334133, ClinGen allele CA9766733.

ClinVar aggregate classification (germline): Benign (0 of 4 stars; one submission).

Conditions:
TASP1-related disorder. Also called: TASP1-related condition.

Submission:

PreventionGenetics, part of Exact Sciences
Classification: Benign for TASP1-related condition. Last evaluated: 2019-10-29. Review status: no assertion criteria provided. Collection method: clinical testing. Allele origin: germline.
Comment: This variant is classified as benign based on ACMG/AMP sequence variant interpretation guidelines (Richards et al. 2015 PMID: 25741868, with internal and published modifications).